The following is an entry in ClinVar:

ClinVar aggregate classification (germline): Uncertain significance (1 of 4 stars; one submission).

Conditions:
EGFR-related lung cancer (EGFR). Identifiers: MedGen CN130014.

Submission:

Labcorp Genetics (formerly Invitae), Labcorp
Classification: Uncertain significance for EGFR-related lung cancer. Last evaluated: 2021-10-07. Review status: criteria provided, single submitter. Criteria: Invitae Variant Classification Sherloc (09022015). Collection method: clinical testing. Allele origin: germline.
Comment: In summary, the available evidence is currently insufficient to determine the role of this variant in disease. Therefore, it has been classified as a Variant of Uncertain Significance. Algorithms developed to predict the effect of sequence changes on RNA splicing suggest that this variant may disrupt the consensus splice site. Algorithms developed to predict the effect of missense changes on protein structure and function are either unavailable or do not agree on the potential impact of this missense change (SIFT: "Tolerated"; PolyPhen-2: "Probably Damaging"; Align-GVGD: "Class C0"). This variant has not been reported in the literature in individuals affected with EGFR-related conditions. This variant is not present in population databases (ExAC no frequency). This sequence change replaces lysine with threonine at codon 80 of the EGFR protein (p.Lys80Thr). The lysine residue is moderately conserved and there is a moderate physicochemical difference between lysine and threonine.

NM_005228.5(EGFR):c.239A>C (p.Lys80Thr)

Gene: EGFR (epidermal growth factor receptor; plus strand). Cytogenetic location: 7p11.2.
Variant type: single nucleotide variant.
Coding change: c.239A>C on transcript NM_005228.5 (MANE Select); coding-DNA position 239, A replaced by C.
Protein change: p.Lys80Thr; replaces lysine 80 with threonine.
Molecular consequence: missense variant. On other transcripts: intron variant (1).
Genome position (GRCh38, 1-based): chr7:55,142,436, A>C. VCF-style: chr7-55142436-A-C. GRCh37 (hg19) VCF-style: chr7-55210129-A-C.
Other names: c.239A>C, p.Lys80Thr (NM_001346897.2, NM_001346898.2, NM_001346899.2 and 3 more transcripts); c.80A>C, p.Lys27Thr (NM_001346900.2); c.89-13394A>C (NM_001346941.2); short protein forms K27T, K80T.
Identifiers: ClinVar variation 1476498 (VCV001476498.6), dbSNP rs2128926455, ClinGen allele CA367575080.